The following is an entry in ClinVar:

NM_004473.4(FOXE1):c.573dup (p.Tyr192fs)

Gene: FOXE1 (forkhead box E1; plus strand). Cytogenetic location: 9q22.33.
Variant type: Duplication.
Coding change: c.573dup on transcript NM_004473.4 (MANE Select); coding-DNA position 573, one base duplicated (C; older notation c.573dupC).
Protein change: p.Tyr192fs; shifts the reading frame from tyrosine 192.
Molecular consequence: frameshift variant.
Genome position (GRCh38, 1-based): chr9:97,854,487, C duplicated; the last of 7 consecutive C bases (chr9:97,854,481-97,854,487); duplicating any one gives the same sequence. VCF-style (leftmost placement, unchanged base first): chr9-97854480-G-GC. GRCh37 (hg19) VCF-style: chr9-100616762-G-GC.
Other names: short protein forms Y192fs.
Identifiers: ClinVar variation 4883875 (VCV004883875.2).
Genomic context (GRCh38, chr9:97,854,480, plus strand): 5'-CCGCCGCCGCCGCCGCCGCCGCCGCCGCCGCCATCTTCCCAGGCGCGGTGCCCGCCGCGC[G>GC]CCCCCCCTACCCGGGCGCCGTCTATGCAGGCTACGCGCCGCCGTCGCTGGCCGCGCCGCC-3'

ClinVar aggregate classification (germline): Uncertain significance (1 of 4 stars; one submission).

Submission:

Dasa
Classification: Uncertain significance. Last evaluated: 2025-03-09. Review status: criteria provided, single submitter. Criteria: DASA Assertion Criteria. Collection method: clinical testing. Allele origin: germline.
Comment: NM_004473.4(FOXE1):c.573dup (p.Tyr192Leufs*38) is a frameshift variant in FOXE1 predicted to alter the reading frame and introduce a premature termination codon. This variant is rare in population databases. The currently available literature and clinical evidence are not sufficient to establish a definitive association between this variant and the reported condition. Therefore, this variant is classified as a variant of uncertain significance.